The following is an entry in ClinVar:

NM_032043.3(BRIP1):c.1697_1698insTATATCAAATTGATATTTCAACAAC (p.Asp566_Lys567insIleSerAsnTer)

Gene: BRIP1 (BRCA1 interacting DNA helicase 1; minus strand). Cytogenetic location: 17q23.2.
Variant type: Insertion.
Coding change: c.1697_1698insTATATCAAATTGATATTTCAACAAC on transcript NM_032043.3 (MANE Select); coding-DNA positions 1697 to 1698, TATATCAAATTGATATTTCAACAAC inserted.
Protein change: p.Asp566_Lys567insIleSerAsnTer.
Molecular consequence: nonsense, inframe insertion.
Genome position: GRCh38 VCF-style: chr17-61780936-G-GGTTGTTGAAATATCAATTTGATATA. GRCh37 (hg19) VCF-style: chr17-59858297-G-GGTTGTTGAAATATCAATTTGATATA.
Identifiers: ClinVar variation 241628 (VCV000241628.14), dbSNP rs878855140, ClinGen allele CA10583631.

ClinVar aggregate classification (germline): Pathogenic. Review status: criteria provided, multiple submitters, no conflicts (2 of 4 stars). 5 submissions from 5 submitters: Pathogenic (5). Last evaluated 2025-05-27.

Conditions:
Hereditary cancer-predisposing syndrome. Also called: Neoplastic Syndromes, Hereditary; Tumor predisposition; Hereditary neoplastic syndrome; Hereditary Cancer Syndrome. Identifiers: Orphanet 140162, MedGen C0027672, MeSH D009386, MONDO:0015356.
Familial cancer of breast. Also called: BREAST CANCER, FAMILIAL; Hereditary breast cancer; hereditary breast carcinoma. Identifiers: Orphanet 227535, MedGen C0346153, MONDO:0016419, OMIM 114480. Disease mechanism: loss of function.
Fanconi anemia complementation group J. Also called: BRIP1-Related Fanconi Anemia. Identifiers: Orphanet 84, MedGen C1836860, MONDO:0012187, OMIM 609054.

Submissions (5):

Ambry Genetics
Classification: Pathogenic for Hereditary cancer-predisposing syndrome. Last evaluated: 2025-05-27. Review status: criteria provided, single submitter. Criteria: Ambry Variant Classification Scheme 2023. Collection method: clinical testing. Allele origin: germline.
Comment: The c.1697_1698ins25 variant, located in coding exon 11 of the BRIP1 gene, results from an insertion of 25 nucleotides at position 1697, causing a translational frameshift with a predicted alternate stop codon (p.K567Ifs*4). This variant is considered to be rare based on population cohorts in the Genome Aggregation Database (gnomAD). This alteration is expected to result in loss of function by premature protein truncation or nonsense-mediated mRNA decay. As such, this alteration is interpreted as a disease-causing mutation.

Myriad Genetics, Inc.
Classification: Pathogenic for Familial cancer of breast. Last evaluated: 2023-06-05. Review status: criteria provided, single submitter. Criteria: Myriad Autosomal Dominant, Autosomal Recessive and X-Linked Classification Criteria (2023). Collection method: clinical testing. Allele origin: unknown.
Comment: This variant is considered pathogenic. This variant creates a frameshift predicted to result in premature protein truncation.

Color Diagnostics, LLC DBA Color Health
Classification: Pathogenic for Hereditary cancer-predisposing syndrome. Last evaluated: 2020-01-15. Review status: criteria provided, single submitter. Criteria: ACMG Guidelines, 2015. Collection method: clinical testing. Allele origin: germline.
Comment: This variant is located in the BRIP1 protein. Splice site prediction tools suggest that this variant may not impact RNA splicing. This variant has not been identified in the general population by the Genome Aggregation Database (gnomAD). Loss of BRIP1 function is a known mechanism of disease. Based on the available evidence, this variant is classified as Pathogenic.

GeneDx
Classification: Pathogenic. Last evaluated: 2017-11-17. Review status: criteria provided, single submitter. Criteria: GeneDx Variant Classification (06012015). Collection method: clinical testing. Allele origin: germline. Affected: yes.
Comment: This insertion of 25 nucleotides in BRIP1 is denoted c.1697_1698ins25 at the cDNA level and p.Lys567IlefsX4 (K567IfsX4) at the protein level. The surrounding sequence is CAGA[ins25]CAAA. The insertion causes a frameshift, which changes a Lysine to an Isoleucine at codon 567 and creates a premature stop codon at position 4 of the new reading frame. Although this variant has not, to our knowledge, been reported in the literature, it is predicted to cause loss of normal protein function through either protein truncation or nonsense-mediated mRNA decay. Based on the currently available evidence, we consider this insertion to be pathogenic.

Labcorp Genetics (formerly Invitae), Labcorp
Classification: Pathogenic for Familial cancer of breast; Fanconi anemia complementation group J. Last evaluated: 2016-03-11. Review status: criteria provided, single submitter. Criteria: Invitae Variant Classification Sherloc (09022015). Collection method: clinical testing. Allele origin: germline.
Comment: This sequence change inserts 25 nucleotides in exon 12 of the BRIP1 mRNA (c.1697_1698insTATATCAAATTGATATTTCAACAAC), causing a frameshift at codon 567. This creates a premature translational stop signal (p.Lys567Ilefs*4) and is expected to result in an absent or disrupted protein product. While this particular variant has not been reported in the literature, truncating variants in BRIP1 are known to be pathogenic (PMID: 16116423, 17033622, 21964575). For these reasons, this variant has been classified as Pathogenic.